The following is an entry in ClinVar:

ClinVar aggregate classification (germline): Uncertain significance (1 of 4 stars; one submission).

Conditions:
Neuroblastoma, susceptibility to, 3. Also called: ALK-Related Neuroblastic Tumor Susceptibility. Identifiers: Orphanet 635, MedGen C2751681, MONDO:0013083, OMIM 613014.

Submission:

Labcorp Genetics (formerly Invitae), Labcorp
Classification: Uncertain significance for Neuroblastoma, susceptibility to, 3. Last evaluated: 2022-04-01. Review status: criteria provided, single submitter. Criteria: Invitae Variant Classification Sherloc (09022015). Collection method: clinical testing. Allele origin: germline.
Comment: In summary, the available evidence is currently insufficient to determine the role of this variant in disease. Therefore, it has been classified as a Variant of Uncertain Significance. This variant has not been reported in the literature in individuals affected with ALK-related conditions. This variant is a gross deletion of the genomic region encompassing exon(s) 28 of the ALK gene. While this deletion is not anticipated to lead to nonsense mediated decay, it is expected to disrupt the C-terminus of the protein.

NC_000002.11:g.(?_29419626)_(29419736_?)del

Gene: ALK (ALK receptor tyrosine kinase; minus strand). Cytogenetic location: 2p23.2.
Variant type: Deletion.
Identifiers: ClinVar variation 2425054 (VCV002425054.4).